The following is an entry in ClinVar:

NM_032977.4(CASP10):c.625C>A (p.Gln209Lys)

Gene: CASP10 (caspase 10; plus strand). Cytogenetic location: 2q33.1.
Variant type: single nucleotide variant.
Coding change: c.625C>A on transcript NM_032977.4 (MANE Select); coding-DNA position 625, C replaced by A.
Protein change: p.Gln209Lys; replaces glutamine 209 with lysine.
Molecular consequence: missense variant.
Genome position (GRCh38, 1-based): chr2:201,195,889, C>A. VCF-style: chr2-201195889-C-A. GRCh37 (hg19) VCF-style: chr2-202060612-C-A.
Other names: c.625C>A, p.Gln209Lys (NM_001206524.2, NM_001206542.2, NM_001230.5 and 3 more transcripts); short protein forms Q209K.
Identifiers: ClinVar variation 2942005 (VCV002942005.3), dbSNP rs895371405, ClinGen allele CA63857982.

ClinVar aggregate classification (germline): Uncertain significance (1 of 4 stars; one submission).

Conditions:
Autoimmune lymphoproliferative syndrome type 2A (ALPS2A). Also called: CASP10-Related Autoimmune Lymphoproliferative Syndrome; AUTOIMMUNE LYMPHOPROLIFERATIVE SYNDROME, TYPE IIA; Autoimmune lymphoproliferative syndrome type 2. Identifiers: Orphanet 3261, MedGen C1858968, MONDO:0011383, OMIM 603909.

Allele frequency attached by ClinVar (database versions not stated): gnomAD exomes below 0.00001; gnomAD 0.00001; TOPMed 0.00004.
gnomAD v4.1: 5 of 1,613,842 alleles (0.00031%); highest among the groups gnomAD compares: Admixed American, 0.0067%; no homozygotes.

Submission:

Labcorp Genetics (formerly Invitae), Labcorp
Classification: Uncertain significance for Autoimmune lymphoproliferative syndrome type 2A. Last evaluated: 2023-07-22. Review status: criteria provided, single submitter. Criteria: Invitae Variant Classification Sherloc (09022015). Collection method: clinical testing. Allele origin: germline.
Comment: An algorithm developed to predict the effect of missense changes on protein structure and function (PolyPhen-2) suggests that this variant is likely to be tolerated. This sequence change replaces glutamine, which is neutral and polar, with lysine, which is basic and polar, at codon 209 of the CASP10 protein (p.Gln209Lys). This variant is not present in population databases (gnomAD no frequency). This variant has not been reported in the literature in individuals affected with CASP10-related conditions. In summary, the available evidence is currently insufficient to determine the role of this variant in disease. Therefore, it has been classified as a Variant of Uncertain Significance.